The following is an entry in ClinVar:

ClinVar aggregate classification (germline): Benign/Likely benign. Review status: criteria provided, multiple submitters, no conflicts (2 of 4 stars). 4 submissions from 4 submitters: Benign (3); Likely benign (1). Last evaluated 2026-03-31.

Conditions:
MHC class II deficiency. Also called: BLS, TYPE II; Bare lymphocyte syndrome 2. Identifiers: Orphanet 572, MedGen C5447452, MONDO:0008855.

Allele frequency attached by ClinVar (database versions not stated): gnomAD 0.00003 and 0.00044; ESP Exome Variant Server 0.00008; TOPMed 0.00008; gnomAD exomes 0.00081 and 0.00167; ExAC 0.00209; 1000 Genomes Project 30x 0.00344; 1000 Genomes Project 0.00359.
gnomAD v4.1: 1,249 of 1,612,668 alleles (0.077%); highest among the groups gnomAD compares: South Asian, 1.3%; 19 homozygotes.

Submissions (4):

Women's Health and Genetics/Laboratory Corporation of America, LabCorp
Classification: Likely benign. Last evaluated: 2026-03-31. Review status: criteria provided, single submitter. Criteria: LabCorp Variant Classification Summary - May 2015. Collection method: clinical testing. Allele origin: germline.

Labcorp Genetics (formerly Invitae), Labcorp
Classification: Benign for MHC class II deficiency. Last evaluated: 2026-01-18. Review status: criteria provided, single submitter. Criteria: Invitae Variant Classification Sherloc (09022015). Collection method: clinical testing. Allele origin: germline.

Genome-Nilou Lab
Classification: Benign for MHC class II deficiency 1. Last evaluated: 2023-04-11. Review status: criteria provided, single submitter. Criteria: ACMG Guidelines, 2015. Collection method: clinical testing. Allele origin: germline. Affected: no.

Illumina Laboratory Services, Illumina
Classification: Benign for MHC class II deficiency 1. Last evaluated: 2018-01-12. Review status: criteria provided, single submitter. Criteria: ICSL Variant Classification Criteria 13 December 2019. Collection method: clinical testing. Allele origin: germline.
Comment: This variant was observed in the ICSL laboratory as part of a predisposition screen in an ostensibly healthy population. It had not been previously curated by ICSL or reported in the Human Gene Mutation Database (HGMD: prior to June 1st, 2018), and was therefore a candidate for classification through an automated scoring system. Utilizing variant allele frequency, disease prevalence and penetrance estimates, and inheritance mode, an automated score was calculated to assess if this variant is too frequent to cause the disease. Based on the score and internal cut-off values, a variant classified as benign is not then subjected to further curation. The score for this variant resulted in a classification of benign for this disease.

NM_001025603.2(RFX5):c.984G>A (p.Arg328=)

Gene: RFX5 (regulatory factor X5; minus strand). Cytogenetic location: 1q21.3.
Variant type: single nucleotide variant.
Coding change: c.984G>A on transcript NM_001025603.2 (MANE Select); coding-DNA position 984, G replaced by A.
Protein change: p.Arg328=; no amino-acid change (arginine 328 retained).
Molecular consequence: synonymous variant.
Genome position (GRCh38, 1-based): chr1:151,343,053, C>T on the plus strand (G>A on the coding strand, the complement: RFX5 is on the minus strand). VCF-style: chr1-151343053-C-T. GRCh37 (hg19) VCF-style: chr1-151315529-C-T.
Other names: c.984G>A, p.Arg328= (NM_000449.4, NM_001379412.1, NM_001379413.1 and 5 more transcripts); c.864G>A, p.Arg288= (NM_001379419.1, NM_001379420.1).
Identifiers: ClinVar variation 292613 (VCV000292613.17), dbSNP rs374283593, ClinGen allele CA1089690.